The following is an entry in ClinVar:

NM_005956.4(MTHFD1):c.2628G>A (p.Glu876=)

Genes: MTHFD1 (methylenetetrahydrofolate dehydrogenase, cyclohydrolase and formyltetrahydrofolate synthetase 1; plus strand), ZBTB25 (zinc finger and BTB domain containing 25; minus strand). Cytogenetic location: 14q23.3.
Variant type: single nucleotide variant.
Coding change: c.2628G>A on transcript NM_005956.4 (MANE Select); coding-DNA position 2628, G replaced by A.
Protein change: p.Glu876=; no amino-acid change (glutamic acid 876 retained).
Molecular consequence: synonymous variant. On other transcripts: intron variant (1).
Genome position (GRCh38, 1-based): chr14:64,454,785, G>A. VCF-style: chr14-64454785-G-A. GRCh37 (hg19) VCF-style: chr14-64921503-G-A.
Other names: c.2628G>A, p.Glu876= (NM_001364837.1); c.174-5147C>T (NM_001304508.1).
Identifiers: ClinVar variation 1901122 (VCV001901122.18), dbSNP rs145762961, ClinGen allele CA7226651.

ClinVar aggregate classification (germline): Benign/Likely benign. Review status: criteria provided, multiple submitters, no conflicts (2 of 4 stars). 3 submissions from 3 submitters: Benign (1); Likely benign (2). Last evaluated 2025-12-28.

Allele frequency attached by ClinVar (database versions not stated): gnomAD 0.00047; ExAC 0.00049; gnomAD exomes 0.00022; TOPMed 0.00005; 1000 Genomes Project 30x 0.00031; 1000 Genomes Project 0.00040.
gnomAD v4.1: 386 of 1,614,052 alleles (0.024%); highest among the groups gnomAD compares: East Asian, 0.033%; 1 homozygote.

Submissions (3):

Labcorp Genetics (formerly Invitae), Labcorp
Classification: Benign. Last evaluated: 2025-12-28. Review status: criteria provided, single submitter. Criteria: Invitae Variant Classification Sherloc (09022015). Collection method: clinical testing. Allele origin: germline.

Blueprint Genetics
Classification: Likely benign. Last evaluated: 2024-10-22. Review status: criteria provided, single submitter. Criteria: ACMG Guidelines, 2015. Collection method: clinical testing. Allele origin: germline.

CeGaT Center for Human Genetics Tuebingen
Classification: Likely benign. Last evaluated: 2024-09-01. Review status: criteria provided, single submitter. Criteria: CeGaT Center For Human Genetics Tuebingen Variant Classification Criteria Version 2. Collection method: clinical testing. Allele origin: germline. Affected: yes. Observed: 1 variant allele.
Comment: MTHFD1: BP4, BP7